The following is an entry in ClinVar:

NM_014946.4(SPAST):c.897_900del (p.Lys300fs)

Gene: SPAST (spastin; plus strand). Cytogenetic location: 2p22.3.
Variant type: Deletion.
Coding change: c.897_900del on transcript NM_014946.4 (MANE Select); coding-DNA positions 897 to 900, 4 bases deleted (TAAA; older notation c.897_900delTAAA).
Protein change: p.Lys300fs; shifts the reading frame from lysine 300.
Molecular consequence: frameshift variant.
Genome position (GRCh38, 1-based): chr2:32,115,728-32,115,731, TAAA deleted; deleting any 4 consecutive bases within chr2:32,115,725-32,115,731 gives the same sequence; the c. name uses the placement nearest the transcript's 3' end. VCF-style (leftmost placement, unchanged base first): chr2-32115724-CAAAT-C. GRCh37 (hg19) VCF-style: chr2-32340793-CAAAT-C.
Other names: p.Lys300Leufs*14; c.894_897del, p.Lys299fs (NM_001363823.2); c.798_801del, p.Lys267fs (NM_001363875.2); c.801_804del, p.Lys268fs (NM_001377959.1, NM_199436.2); c.897_900delTAAA, p.Lys300Leufs (NM_014946.3); short protein forms K267fs, K268fs, K299fs, K300fs.
Identifiers: ClinVar variation 2682790 (VCV002682790.1), dbSNP rs2465838176, ClinGen allele CA2697547984.
Genomic context (GRCh38, chr2:32,115,724, plus strand): 5'-AGGTTGTATTTTCATATTAAAATTTTGTATCCTTTAAGGGTACTCCGAAAACAAATAGGA[CAAAT>C]AAACCTTCTACCCCTACAACTGCTACTCGTAAGAAAAAAGACTTGAAGAATTTTAGGAAT-3'

ClinVar aggregate classification (germline): Likely pathogenic (1 of 4 stars; one submission).

Submission:

Mayo Clinic Laboratories, Mayo Clinic
Classification: Likely pathogenic. Last evaluated: 2022-04-18. Review status: criteria provided, single submitter. Criteria: ACMG Guidelines, 2015. Collection method: clinical testing. Allele origin: germline. Observed: 1 variant allele.
Comment: PM2, PVS1